The following is an entry in ClinVar:

NM_024120.5(NDUFAF5):c.519+2T>C

Gene: NDUFAF5 (NADH:ubiquinone oxidoreductase complex assembly factor 5; plus strand). Cytogenetic location: 20p12.1.
Variant type: single nucleotide variant.
Coding change: c.519+2T>C on transcript NM_024120.5 (MANE Select); the canonical splice donor site of the intron after coding-DNA position 519, T replaced by C.
Molecular consequence: splice donor variant.
Genome position (GRCh38, 1-based): chr20:13,798,502, T>C. VCF-style: chr20-13798502-T-C. GRCh37 (hg19) VCF-style: chr20-13779148-T-C.
Other names: c.-43+2T>C (NM_001352407.2, NM_001352406.2); c.435+2T>C (NM_001039375.3); c.48+2T>C (NM_001352403.2); c.519+2T>C (NM_001352408.2).
Identifiers: ClinVar variation 1804830 (VCV001804830.4), dbSNP rs2147534220, ClinGen allele CA408270261.

ClinVar aggregate classification (germline): Likely pathogenic. Review status: criteria provided, multiple submitters, no conflicts (2 of 4 stars). 2 submissions from 2 submitters: Likely pathogenic (2). Last evaluated 2023-07-06.

Conditions:
Leigh syndrome (NULS). Also called: Leigh's syndrome; LEIGH SYNDROME, NUCLEAR; Leigh Syndrome (mtDNA deletion); Subacute necrotizing encephalopathy; Necrotizing encephalopathy infantile subacute of Leigh; Leigh's necrotizing encephalopathy. Identifiers: Orphanet 506, MedGen C2931891, MONDO:0009723, OMIM 256000.

Submissions (2):

Labcorp Genetics (formerly Invitae), Labcorp
Classification: Likely pathogenic. Last evaluated: 2023-07-06. Review status: criteria provided, single submitter. Criteria: Invitae Variant Classification Sherloc (09022015). Collection method: clinical testing. Allele origin: germline.
Comment: In summary, the currently available evidence indicates that the variant is pathogenic, but additional data are needed to prove that conclusively. Therefore, this variant has been classified as Likely Pathogenic. Algorithms developed to predict the effect of sequence changes on RNA splicing suggest that this variant may disrupt the consensus splice site. ClinVar contains an entry for this variant (Variation ID: 1804830). This variant has not been reported in the literature in individuals affected with NDUFAF5-related conditions. This variant is not present in population databases (gnomAD no frequency). This sequence change affects a donor splice site in intron 6 of the NDUFAF5 gene. It is expected to disrupt RNA splicing. Variants that disrupt the donor or acceptor splice site typically lead to a loss of protein function (PMID: 16199547), and loss-of-function variants in NDUFAF5 are known to be pathogenic (PMID: 26275793, 30473481, 32918965).

Women's Health and Genetics/Laboratory Corporation of America, LabCorp
Classification: Likely pathogenic for Leigh syndrome. Last evaluated: 2022-11-08. Review status: criteria provided, single submitter. Criteria: LabCorp Variant Classification Summary - May 2015. Collection method: clinical testing. Allele origin: germline.
Comment: Variant summary: NDUFAF5 c.519+2T>C is located in a canonical splice-site and is predicted to affect mRNA splicing resulting in a significantly altered protein due to either exon skipping, shortening, or inclusion of intronic material. 1/3 computational tools predict no significant impact on normal splicing. 2/3 computational tools predict the variant abolishes the canonical 5' splicing donor site. However, these predictions have yet to be confirmed by functional studies. The variant was absent in 251048 control chromosomes (gnomAD). To our knowledge, no occurrence of c.519+2T>C in individuals affected with Leigh Syndrome and no experimental evidence demonstrating its impact on protein function have been reported. No clinical diagnostic laboratories have submitted clinical-significance assessments for this variant to ClinVar after 2014. Based on the evidence outlined above, the variant was classified as likely pathogenic.

Literature cited by the submitters: PubMed 16199547 (cited by Labcorp Genetics (formerly Invitae), Labcorp); PubMed 26275793 (cited by Labcorp Genetics (formerly Invitae), Labcorp); PubMed 30473481 (cited by Labcorp Genetics (formerly Invitae), Labcorp); PubMed 32918965 (cited by Labcorp Genetics (formerly Invitae), Labcorp).